The following is an entry in ClinVar:

NM_006031.6(PCNT):c.772C>T (p.His258Tyr)

Gene: PCNT (pericentrin; plus strand). Cytogenetic location: 21q22.3.
Variant type: single nucleotide variant.
Coding change: c.772C>T on transcript NM_006031.6 (MANE Select); coding-DNA position 772, C replaced by T.
Protein change: p.His258Tyr; replaces histidine 258 with tyrosine.
Molecular consequence: missense variant.
Genome position (GRCh38, 1-based): chr21:46,346,794, C>T. VCF-style: chr21-46346794-C-T. GRCh37 (hg19) VCF-style: chr21-47766708-C-T.
Other names: c.418C>T, p.His140Tyr (NM_001315529.2); short protein forms H140Y, H258Y.
Identifiers: ClinVar variation 4993589 (VCV004993589.1).
Genomic context (GRCh38, chr21:46,346,794, plus strand): 5'-CCGCCGCAGGCCGTGCATGGCCTTGAGCTGGAGGCGCTGCGCCTGAGTCTGAGCAACATG[C>T]ACACGGCGCAGCTGGAGCTGACACAGGCCAACCTCCAGAAGGAGAAGGAGACGGCATTGA-3'
Protein context (NP_006022.3, residues 248-268): EALRLSLSNM[His258Tyr]TAQLELTQAN

ClinVar aggregate classification (germline): Uncertain significance (1 of 4 stars; one submission).

Conditions:
PCNT-related disorder. Also called: PCNT-related condition.

Submission:

PreventionGenetics, part of Exact Sciences
Classification: Uncertain significance for PCNT-related condition. Last evaluated: 2026-07-22. Review status: criteria provided, single submitter. Criteria: ACMG Guidelines, 2015. Collection method: clinical testing. Allele origin: germline.
Comment: The PCNT c.772C>T variant is predicted to result in the amino acid substitution p.His258Tyr. To our knowledge, this variant has not been reported in the literature or in a large population database (gnomAD), indicating this variant is rare. At this time, the clinical significance of this variant is uncertain due to the absence of conclusive functional and genetic evidence.